The following is an entry in ClinVar:

ClinVar aggregate classification (germline): Conflicting classifications of pathogenicity. Review status: criteria provided, conflicting classifications (1 of 4 stars). 14 submissions from 14 submitters: Uncertain significance (11); Likely benign (2). 1 of the submissions does not count toward it. Last evaluated 2025-08-04.

Conditions:
Familial cancer of breast. Also called: hereditary breast carcinoma; Hereditary breast cancer; BREAST CANCER, FAMILIAL. Identifiers: Orphanet 227535, MedGen C0346153, MONDO:0016419, OMIM 114480. Disease mechanism: loss of function.
Hereditary cancer-predisposing syndrome. Also called: Tumor predisposition; Hereditary neoplastic syndrome; Neoplastic Syndromes, Hereditary; Hereditary Cancer Syndrome. Identifiers: Orphanet 140162, MedGen C0027672, MeSH D009386, MONDO:0015356.
Pancreatic cancer, susceptibility to, 3. Identifiers: Orphanet 1333, MedGen C3150547, MONDO:0013236, OMIM 613348.
Fanconi anemia complementation group N. Also called: PALB2-Related Fanconi Anemia. Identifiers: Orphanet 84, MedGen C1835817, MONDO:0012565, OMIM 610832. Disease mechanism: loss of function.

Allele frequency attached by ClinVar (database versions not stated): ExAC 0.00002; gnomAD 0.00002 and 0.00001; gnomAD exomes 0.00002 and below 0.00001; TOPMed 0.00002; 1000 Genomes Project 30x 0.00016; 1000 Genomes Project 0.00020.
gnomAD v4.1: 11 of 1,614,078 alleles (0.00068%); highest among the groups gnomAD compares: Middle Eastern, 0.033%; no homozygotes.

Submissions (14):

Labcorp Genetics (formerly Invitae), Labcorp
Classification: Uncertain significance for Familial cancer of breast. Last evaluated: 2025-08-04. Review status: criteria provided, single submitter. Criteria: Invitae Variant Classification Sherloc (09022015). Collection method: clinical testing. Allele origin: germline.
Comment: This sequence change replaces lysine, which is basic and polar, with glutamine, which is neutral and polar, at codon 957 of the PALB2 protein (p.Lys957Gln). This variant is present in population databases (rs515726103, gnomAD 0.004%). This missense change has been observed in individual(s) with breast cancer and/or ovarian cancer (PMID: 22241545, 30584090, 35610400). ClinVar contains an entry for this variant (Variation ID: 126694). Invitae Evidence Modeling of protein sequence and biophysical properties (such as structural, functional, and spatial information, amino acid conservation, physicochemical variation, residue mobility, and thermodynamic stability) indicates that this missense variant is not expected to disrupt PALB2 protein function with a negative predictive value of 80%. In summary, the available evidence is currently insufficient to determine the role of this variant in disease. Therefore, it has been classified as a Variant of Uncertain Significance.

Ambry Genetics
Classification: Likely benign for Hereditary cancer-predisposing syndrome. Last evaluated: 2025-03-06. Review status: criteria provided, single submitter. Criteria: Ambry Variant Classification Scheme 2023. Collection method: clinical testing. Allele origin: germline.

Myriad Genetics, Inc.
Classification: Likely benign for Familial cancer of breast. Last evaluated: 2025-01-21. Review status: criteria provided, single submitter. Criteria: Myriad Autosomal Dominant, Autosomal Recessive and X-Linked Classification Criteria (2023). Collection method: clinical testing. Allele origin: unknown.
Comment: This variant is considered likely benign. This variant is strongly associated with less severe personal and family histories of cancer, typical for individuals without pathogenic variants in this gene [PMID: 25085752].

Color Diagnostics, LLC DBA Color Health
Classification: Uncertain significance for Hereditary cancer-predisposing syndrome. Last evaluated: 2025-01-07. Review status: criteria provided, single submitter. Criteria: ACMG Guidelines, 2015. Collection method: clinical testing. Allele origin: germline.
Comment: This missense variant replaces lysine with glutamine at codon 957 of the PALB2 protein. Computational prediction suggests that this variant may not impact protein structure and function. To our knowledge, functional studies have not been reported for this variant. This variant has been reported in four individuals affected with breast cancer (PMID: 22241545, 28279176) and ovarian cancer (PMID: 30584090, 35610400) and in a breast cancer case-control meta-analysis in 3/60466 cases and 2/53461 unaffected individuals (PMID: 33471991; Leiden Open Variation Database DB-ID PALB2_010131). This variant has been identified in 4/251406 chromosomes in the general population by the Genome Aggregation Database (gnomAD). The available evidence is insufficient to determine the role of this variant in disease conclusively. Therefore, this variant is classified as a Variant of Uncertain Significance.

Blueprint Genetics
Classification: Uncertain significance. Last evaluated: 2024-07-10. Review status: criteria provided, single submitter. Criteria: ACMG Guidelines, 2015. Collection method: clinical testing. Allele origin: germline.

Baylor Genetics
Classification: Uncertain significance for Familial cancer of breast. Last evaluated: 2024-03-06. Review status: criteria provided, single submitter. Criteria: ACMG Guidelines, 2015. Collection method: clinical testing. Allele origin: unknown.

GeneDx
Classification: Uncertain significance. Last evaluated: 2024-01-29. Review status: criteria provided, single submitter. Criteria: GeneDx Variant Classification Process June 2021. Collection method: clinical testing. Allele origin: germline. Affected: yes.
Comment: Not observed at significant frequency in large population cohorts (gnomAD); In silico analysis supports that this missense variant has a deleterious effect on protein structure/function; Observed in individuals with a personal and/or family history including breast, pancreatic, and other cancers (PMID: 22241545, 28279176, 38061684); This variant is associated with the following publications: (PMID: 28279176, 22241545, 25991819, 33471991, 24485656, 19609323, 20871615, 38061684, 35610400)

Clinical Genetics Laboratory, Skane University Hospital Lund
Classification: Uncertain significance. Last evaluated: 2023-06-28. Review status: criteria provided, single submitter. Criteria: ACMG Guidelines, 2015. Collection method: clinical testing. Allele origin: germline. Affected: yes.

Women's Health and Genetics/Laboratory Corporation of America, LabCorp
Classification: Uncertain significance. Last evaluated: 2023-03-30. Review status: criteria provided, single submitter. Criteria: LabCorp Variant Classification Summary - May 2015. Collection method: clinical testing. Allele origin: germline.
Comment: Variant summary: PALB2 c.2869A>C (p.Lys957Gln) results in a conservative amino acid change located in the Partner and localiser of BRCA2, WD40 domain (IPR031920) of the encoded protein sequence. Five of five in-silico tools predict a benign effect of the variant on protein function. The variant allele was found at a frequency of 1.6e-05 in 251406 control chromosomes. The available data on variant occurrences in the general population are insufficient to allow any conclusion about variant significance. c.2869A>C has been reported in the literature in individuals affected with breast or ovarian cancer without strong evidence of causality, as well as unaffected controls (Dorling_2021, Gonzalez_2022, Kluska_2017, Li_2019, Tischkowitz_2012). These reports do not provide unequivocal conclusions about association of the variant with Prostate Cancer. To our knowledge, no experimental evidence demonstrating an impact on protein function has been reported. Nine submitters have provided clinical-significance assessments for this variant to ClinVar after 2014, and classified the variant as uncertain significance. Based on the evidence outlined above, the variant was classified as uncertain significance.

Laboratorio de Genetica e Diagnostico Molecular, Hospital Israelita Albert Einstein
Classification: Uncertain significance for Familial cancer of breast. Last evaluated: 2022-04-04. Review status: criteria provided, single submitter. Criteria: ACMG Guidelines, 2015. Collection method: clinical testing. Allele origin: germline. Affected: yes. Observed: 1 variant allele.
Comment: ACMG classification criteria: PS4 supporting, PM2, BP4 supporting

Sema4
Classification: Uncertain significance for Hereditary cancer-predisposing syndrome. Last evaluated: 2021-04-05. Review status: criteria provided, single submitter. Criteria: Sema4 Curation Guidelines. Collection method: curation. Allele origin: germline.
Comment: The PALB2 c.2869A>C (p.K957Q) variant has been reported in heterozygosity in at least five individuals with breast cancer as well as in healthy controls (PMID: 28279176, 22241545, 33471991). This variant was observed in 4/113708 chromosomes in the Non-Finnish European population according to the Genome Aggregation Database (PMID: 32461654). This variant has been reported in ClinVar (Variation ID: 126694). In silico tools suggest the impact of the variant on protein function is benign, though these predictions have not been confirmed by functional studies. Based on the current evidence available, this variant is interpreted as a variant of uncertain significance.

Fulgent Genetics
Classification: Uncertain significance for Familial cancer of breast; Fanconi anemia complementation group N; Pancreatic cancer, susceptibility to, 3. Last evaluated: 2018-10-31. Review status: criteria provided, single submitter. Criteria: ACMG Guidelines, 2015. Collection method: clinical testing. Allele origin: unknown.

Mendelics
Classification: Uncertain significance for Hereditary cancer-predisposing syndrome. Last evaluated: 2018-07-02. Review status: criteria provided, single submitter. Criteria: Mendelics Assertion Criteria 2017. Collection method: clinical testing. Allele origin: unknown.

Leiden Open Variation Database
Classification: Uncertain significance for Familial cancer of breast. Last evaluated: 2019-12-04. Review status: no assertion criteria provided. Collection method: curation. Allele origin: germline. Affected: no. Not counted in ClinVar's aggregate classification.
Comment: Curators: Marc Tischkowitz, Arleen D. Auerbach. Submitters to LOVD: Andreas Laner, Marc Tischkowitz.

Literature cited by the submitters: PubMed 22241545 (cited by 6 submitters); PubMed 30584090 (cited by 3 submitters); PubMed 35610400 (cited by 3 submitters); PubMed 28279176 (cited by 4 submitters); PubMed 38874686 (cited by Ambry Genetics); PubMed 25085752 (cited by Myriad Genetics, Inc.); PubMed 33471991 (cited by 3 submitters).

NM_024675.4(PALB2):c.2869A>C (p.Lys957Gln)

Gene: PALB2 (partner and localizer of BRCA2; minus strand). Cytogenetic location: 16p12.2.
Variant type: single nucleotide variant.
Coding change: c.2869A>C on transcript NM_024675.4 (MANE Select); coding-DNA position 2869, A replaced by C.
Protein change: p.Lys957Gln; replaces lysine 957 with glutamine.
Molecular consequence: missense variant.
Genome position (GRCh38, 1-based): chr16:23,623,096, T>G on the plus strand (A>C on the coding strand, the complement: PALB2 is on the minus strand). VCF-style: chr16-23623096-T-G. GRCh37 (hg19) VCF-style: chr16-23634417-T-G.
Other names: p.K957Q:AAG>CAG; short protein forms K957Q.
Identifiers: ClinVar variation 126694 (VCV000126694.35), dbSNP rs515726103, ClinGen allele CA299741.